The following is an entry in ClinVar:

ClinVar aggregate classification (germline): Uncertain significance. Review status: criteria provided, multiple submitters, no conflicts (2 of 4 stars). 2 submissions from 2 submitters: Uncertain significance (2). Last evaluated 2024-12-24.

Conditions:
Inborn genetic diseases. Identifiers: MedGen C0950123, MeSH D030342.

Submissions (2):

Ambry Genetics
Classification: Uncertain significance for Inborn genetic diseases. Last evaluated: 2024-12-24. Review status: criteria provided, single submitter. Criteria: Ambry Variant Classification Scheme 2023. Collection method: clinical testing. Allele origin: germline.
Comment: The c.1985A>C (p.Q662P) alteration is located in exon 21 (coding exon 20) of the KIF1A gene. This alteration results from an A to C substitution at nucleotide position 1985, causing the glutamine (Q) at amino acid position 662 to be replaced by a proline (P). This variant was not reported in population-based cohorts in the Genome Aggregation Database (gnomAD). This amino acid position is highly conserved in available vertebrate species. This missense alteration is located in a region that has a low rate of benign missense variation (Lek, 2016; Firth, 2009). The in silico prediction for this alteration is inconclusive. Based on insufficient or conflicting evidence, the clinical significance of this alteration remains unclear.

Revvity Omics, Revvity
Classification: Uncertain significance. Last evaluated: 2024-11-06. Review status: criteria provided, single submitter. Criteria: ACMG Guidelines, 2015. Collection method: clinical testing. Allele origin: germline.

NM_001244008.2(KIF1A):c.2012A>C (p.Gln671Pro)

Gene: KIF1A (kinesin family member 1A; minus strand). Cytogenetic location: 2q37.3.
Variant type: single nucleotide variant.
Coding change: c.2012A>C on transcript NM_001244008.2 (MANE Select); coding-DNA position 2012, A replaced by C.
Protein change: p.Gln671Pro; replaces glutamine 671 with proline.
Molecular consequence: missense variant.
Genome position (GRCh38, 1-based): chr2:240,763,029, T>G on the plus strand (A>C on the coding strand, the complement: KIF1A is on the minus strand). VCF-style: chr2-240763029-T-G. GRCh37 (hg19) VCF-style: chr2-241702446-T-G.
Other names: c.1985A>C, p.Gln662Pro (NM_001379636.1, NM_001379632.1, NM_001379633.1 and 11 more transcripts); c.2060A>C, p.Gln687Pro (NM_001379637.1, NM_001379648.1); c.1985A>C (NM_004321.5); c.2012A>C, p.Gln671Pro (NM_001320705.2, NM_001330289.2, NM_001379638.1); c.2087A>C, p.Gln696Pro (NM_001330290.2, NM_001379631.1, NM_001379634.1 and 2 more transcripts); short protein forms Q662P, Q671P, Q687P, Q696P.
Identifiers: ClinVar variation 2433126 (VCV002433126.4), dbSNP rs2050722674, ClinGen allele CA351326546.